The following is an entry in ClinVar:

NM_001256071.3(RNF213):c.9439C>T (p.Arg3147Cys)

Gene: RNF213 (ring finger protein 213; plus strand). Cytogenetic location: 17q25.3.
Variant type: single nucleotide variant.
Coding change: c.9439C>T on transcript NM_001256071.3 (MANE Select); coding-DNA position 9439, C replaced by T.
Protein change: p.Arg3147Cys; replaces arginine 3147 with cysteine.
Molecular consequence: missense variant.
Genome position (GRCh38, 1-based): chr17:80,347,774, C>T. VCF-style: chr17-80347774-C-T. GRCh37 (hg19) VCF-style: chr17-78321574-C-T.
Other names: c.9586C>T, p.Arg3196Cys (NM_001410195.1, NM_020914.5); short protein forms R3196C, R3147C.
Identifiers: ClinVar variation 2955436 (VCV002955436.3), dbSNP rs781176178, ClinGen allele CA8821127.

ClinVar aggregate classification (germline): Uncertain significance (1 of 4 stars; one submission).

Allele frequency attached by ClinVar (database versions not stated): TOPMed below 0.00001; ExAC 0.00001; gnomAD exomes 0.00001.
gnomAD v4.1: 12 of 1,614,184 alleles (0.00074%); highest among the groups gnomAD compares: Admixed American, 0.0067%; no homozygotes.

Submission:

Labcorp Genetics (formerly Invitae), Labcorp
Classification: Uncertain significance. Last evaluated: 2025-06-02. Review status: criteria provided, single submitter. Criteria: Invitae Variant Classification Sherloc (09022015). Collection method: clinical testing. Allele origin: germline.
Comment: This sequence change replaces arginine, which is basic and polar, with cysteine, which is neutral and slightly polar, at codon 3147 of the RNF213 protein (p.Arg3147Cys). This variant is present in population databases (rs781176178, gnomAD 0.003%). This variant has not been reported in the literature in individuals affected with RNF213-related conditions. ClinVar contains an entry for this variant (Variation ID: 2955436). Invitae Evidence Modeling of protein sequence and biophysical properties (such as structural, functional, and spatial information, amino acid conservation, physicochemical variation, residue mobility, and thermodynamic stability) indicates that this missense variant is not expected to disrupt RNF213 protein function with a negative predictive value of 95%. In summary, the available evidence is currently insufficient to determine the role of this variant in disease. Therefore, it has been classified as a Variant of Uncertain Significance.